The following is an entry in ClinVar:

ClinVar aggregate classification (germline): Uncertain significance (1 of 4 stars; one submission).

Conditions:
Epileptic encephalopathy. Identifiers: MedGen C0543888, HP:0200134.

gnomAD v4.1: 2 of 1,466,774 alleles (0.00014%); highest among the groups gnomAD compares: Non-Finnish European, 0.00018%; no homozygotes.

Submission:

Labcorp Genetics (formerly Invitae), Labcorp
Classification: Uncertain significance for Epileptic encephalopathy. Last evaluated: 2024-03-20. Review status: criteria provided, single submitter. Criteria: Invitae Variant Classification Sherloc (09022015). Collection method: clinical testing. Allele origin: germline.
Comment: This sequence change replaces cysteine, which is neutral and slightly polar, with arginine, which is basic and polar, at codon 918 of the GABBR2 protein (p.Cys918Arg). This variant is not present in population databases (gnomAD no frequency). This variant has not been reported in the literature in individuals affected with GABBR2-related conditions. An algorithm developed to predict the effect of missense changes on protein structure and function (PolyPhen-2) suggests that this variant is likely to be tolerated. In summary, the available evidence is currently insufficient to determine the role of this variant in disease. Therefore, it has been classified as a Variant of Uncertain Significance.

NM_005458.8(GABBR2):c.2752T>C (p.Cys918Arg)

Gene: GABBR2 (gamma-aminobutyric acid type B receptor subunit 2; minus strand). Cytogenetic location: 9q22.33.
Variant type: single nucleotide variant.
Coding change: c.2752T>C on transcript NM_005458.8 (MANE Select); coding-DNA position 2752, T replaced by C.
Protein change: p.Cys918Arg; replaces cysteine 918 with arginine.
Molecular consequence: missense variant.
Genome position (GRCh38, 1-based): chr9:98,290,658, A>G on the plus strand (T>C on the coding strand, the complement: GABBR2 is on the minus strand). VCF-style: chr9-98290658-A-G. GRCh37 (hg19) VCF-style: chr9-101052940-A-G.
Other names: short protein forms C918R.
Identifiers: ClinVar variation 3646932 (VCV003646932.2).